The following is an entry in ClinVar:

NM_013336.4(SEC61A1):c.141+1G>C

Gene: SEC61A1 (SEC61 translocon subunit alpha 1; plus strand). Cytogenetic location: 3q21.3.
Variant type: single nucleotide variant.
Coding change: c.141+1G>C on transcript NM_013336.4 (MANE Select); the canonical splice donor site of the intron after coding-DNA position 141, G replaced by C.
Molecular consequence: splice donor variant.
Genome position (GRCh38, 1-based): chr3:128,055,582, G>C. VCF-style: chr3-128055582-G-C. GRCh37 (hg19) VCF-style: chr3-127774425-G-C.
Other names: c.159+1G>C (NM_001400328.1); c.-19+1G>C (NM_001400329.1).
Identifiers: ClinVar variation 2700717 (VCV002700717.3), dbSNP rs2473018620, ClinGen allele CA354389455.

ClinVar aggregate classification (germline): Uncertain significance (1 of 4 stars; one submission).

Submission:

Labcorp Genetics (formerly Invitae), Labcorp
Classification: Uncertain significance. Last evaluated: 2025-01-13. Review status: criteria provided, single submitter. Criteria: Invitae Variant Classification Sherloc (09022015). Collection method: clinical testing. Allele origin: germline.
Comment: This sequence change affects a donor splice site in intron 3 of the SEC61A1 gene. It is expected to disrupt RNA splicing. Variants that disrupt the donor or acceptor splice site typically lead to a loss of protein function (PMID: 16199547), however the current clinical and genetic evidence is not sufficient to establish whether loss-of-function variants in SEC61A1 cause disease. This variant is not present in population databases (gnomAD no frequency). This variant has not been reported in the literature in individuals affected with SEC61A1-related conditions. ClinVar contains an entry for this variant (Variation ID: 2700717). Algorithms developed to predict the effect of sequence changes on RNA splicing suggest that this variant may disrupt the consensus splice site. In summary, the available evidence is currently insufficient to determine the role of this variant in disease. Therefore, it has been classified as a Variant of Uncertain Significance.

Literature cited by the submitters: PubMed 16199547.